The following is an entry in ClinVar:

NM_001378615.1(CC2D2A):c.56A>T (p.Asp19Val)

Genes: CC2D2A (coiled-coil and C2 domain containing 2A; plus strand), FBXL5 (F-box and leucine rich repeat protein 5; minus strand). Cytogenetic location: 4p15.32.
Variant type: single nucleotide variant.
Coding change: c.56A>T on transcript NM_001378615.1 (MANE Select); coding-DNA position 56, A replaced by T.
Protein change: p.Asp19Val; replaces aspartic acid 19 with valine.
Molecular consequence: missense variant.
Genome position (GRCh38, 1-based): chr4:15,478,739, A>T. VCF-style: chr4-15478739-A-T. GRCh37 (hg19) VCF-style: chr4-15480363-A-T.
Other names: c.56A>T, p.Asp19Val (NM_001080522.2, NM_001164720.3, NM_020785.2); short protein forms D19V.
Identifiers: ClinVar variation 969124 (VCV000969124.7), dbSNP rs1403239059, ClinGen allele CA356407094.
Genomic context (GRCh38, chr4:15,478,739, plus strand): 5'-CTCTTCCTGTCTTAAGATTCTCTCCCTTTTGCATTTTCACAAAGGAGTTCATTGAAAATG[A>T]TGAGGATGCAGACATGGGAAGACAGAATAAGAACTCAAAGGTTCGAAGACAGCCAAGAAA-3'
Protein context (NP_001365544.1, residues 9-29): KIITEEFIEN[Asp19Val]EDADMGRQNK

ClinVar aggregate classification (germline): Uncertain significance (1 of 4 stars; one submission).

Conditions:
Meckel-Gruber syndrome. Also called: Dysencephalia splachnocystica; DYSENCEPHALIA SPLANCHNOCYSTICA; GRUBER SYNDROME. Identifiers: Orphanet 564, MedGen C0265215, MONDO:0018921.
Joubert syndrome. Also called: Familial aplasia of the vermis; JOUBERT-BOLTSHAUSER SYNDROME. Identifiers: Orphanet 475, MedGen C5979921, MONDO:0018772.

Allele frequency attached by ClinVar (database versions not stated): TOPMed below 0.00001; gnomAD exomes 0.00001 and 0.00004; gnomAD 0.00002.
gnomAD v4.1: 65 of 1,554,514 alleles (0.0042%); highest among the groups gnomAD compares: Non-Finnish European, 0.0055%; no homozygotes.

Submission:

Labcorp Genetics (formerly Invitae), Labcorp
Classification: Uncertain significance for Joubert syndrome; Meckel-Gruber syndrome. Last evaluated: 2022-02-24. Review status: criteria provided, single submitter. Criteria: Invitae Variant Classification Sherloc (09022015). Collection method: clinical testing. Allele origin: germline.
Comment: This sequence change replaces aspartic acid, which is acidic and polar, with valine, which is neutral and non-polar, at codon 19 of the CC2D2A protein (p.Asp19Val). The frequency data for this variant in the population databases is considered unreliable, as metrics indicate poor data quality at this position in the gnomAD database. This variant has not been reported in the literature in individuals affected with CC2D2A-related conditions. ClinVar contains an entry for this variant (Variation ID: 969124). Advanced modeling of protein sequence and biophysical properties (such as structural, functional, and spatial information, amino acid conservation, physicochemical variation, residue mobility, and thermodynamic stability) performed at Invitae indicates that this missense variant is not expected to disrupt CC2D2A protein function. In summary, the available evidence is currently insufficient to determine the role of this variant in disease. Therefore, it has been classified as a Variant of Uncertain Significance.